The following is an entry in ClinVar:

NM_000393.5(COL5A2):c.3457C>T (p.Leu1153Phe)

Gene: COL5A2 (collagen type V alpha 2 chain; minus strand). Cytogenetic location: 2q32.2.
Variant type: single nucleotide variant.
Coding change: c.3457C>T on transcript NM_000393.5 (MANE Select); coding-DNA position 3457, C replaced by T.
Protein change: p.Leu1153Phe; replaces leucine 1153 with phenylalanine.
Molecular consequence: missense variant.
Genome position (GRCh38, 1-based): chr2:189,043,165, G>A on the plus strand (C>T on the coding strand, the complement: COL5A2 is on the minus strand). VCF-style: chr2-189043165-G-A. GRCh37 (hg19) VCF-style: chr2-189907891-G-A.
Other names: short protein forms L1153F.
Identifiers: ClinVar variation 4746301 (VCV004746301.1).

ClinVar aggregate classification (germline): Uncertain significance (1 of 4 stars; one submission).

Conditions:
Ehlers-Danlos syndrome, classic type, 1 (EDSCL1). Also called: EHLERS-DANLOS SYNDROME, GRAVIS TYPE; EHLERS-DANLOS SYNDROME, SEVERE CLASSIC TYPE; Ehlers-Danlos syndrome, type 1; Ehlers-Danlos Syndrome, Classic Type, COL5A1-Related; EDS I. Identifiers: MedGen C0268335, MONDO:0019567, OMIM 130000.

Submission:

Labcorp Genetics (formerly Invitae), Labcorp
Classification: Uncertain significance for Ehlers-Danlos syndrome, classic type, 1. Last evaluated: 2025-07-22. Review status: criteria provided, single submitter. Criteria: Invitae Variant Classification Sherloc (09022015). Collection method: clinical testing. Allele origin: germline.
Comment: This sequence change replaces leucine, which is neutral and non-polar, with phenylalanine, which is neutral and non-polar, at codon 1153 of the COL5A2 protein (p.Leu1153Phe). This variant is not present in population databases (gnomAD no frequency). This variant has not been reported in the literature in individuals affected with COL5A2-related conditions. Invitae Evidence Modeling of protein sequence and biophysical properties (such as structural, functional, and spatial information, amino acid conservation, physicochemical variation, residue mobility, and thermodynamic stability) indicates that this missense variant is not expected to disrupt COL5A2 protein function with a negative predictive value of 80%. In summary, the available evidence is currently insufficient to determine the role of this variant in disease. Therefore, it has been classified as a Variant of Uncertain Significance.